The following is an entry in ClinVar:

ClinVar aggregate classification (germline): Likely benign (1 of 4 stars; one submission).

Submission:

CeGaT Center for Human Genetics Tuebingen
Classification: Likely benign. Last evaluated: 2025-10-01. Review status: criteria provided, single submitter. Criteria: CeGaT Center For Human Genetics Tuebingen Variant Classification Criteria Version 2. Collection method: clinical testing. Allele origin: germline. Affected: yes. Observed: 1 variant allele.
Comment: RAD51D: PM2:Supporting, BP4, BP7

NM_002878.4(RAD51D):c.263+1565A>G

Genes: RAD51D (RAD51 paralog D; minus strand), RAD51L3-RFFL (RAD51L3-RFFL readthrough; minus strand). Cytogenetic location: 17q12.
Variant type: single nucleotide variant.
Coding change: c.263+1565A>G on transcript NM_002878.4 (MANE Select); 1565 bases into the intron after coding-DNA position 263, A replaced by G.
Molecular consequence: intron variant. On other transcripts: synonymous variant (1).
Genome position (GRCh38, 1-based): chr17:35,116,936, T>C on the plus strand (A>G on the coding strand, the complement: RAD51D is on the minus strand). VCF-style: chr17-35116936-T-C. GRCh37 (hg19) VCF-style: chr17-33443955-T-C.
Other names: c.246A>G, p.Ala82= (NM_001142571.2); c.144+2175A>G (NM_133629.3).
Identifiers: ClinVar variation 4535227 (VCV004535227.6).
Genomic context (GRCh38, chr17:35,116,936, plus strand): 5'-AGTGCCTCGTTCATCGAAAGCATTCAGCGAAAGTCCATCTGTTCCTCCATGCCCAAGTCC[T>C]GCCTTCTTCAGAGCATTCCTGACCCCACTCCACGATCTCCCTGCGGGGACCTGAGGCAGC-3'